The following is an entry in ClinVar:

NM_001134407.3(GRIN2A):c.2852G>A (p.Gly951Glu)

Gene: GRIN2A (glutamate ionotropic receptor NMDA type subunit 2A; minus strand). Cytogenetic location: 16p13.2.
Variant type: single nucleotide variant.
Coding change: c.2852G>A on transcript NM_001134407.3 (MANE Select); coding-DNA position 2852, G replaced by A.
Protein change: p.Gly951Glu; replaces glycine 951 with glutamic acid.
Molecular consequence: missense variant.
Genome position (GRCh38, 1-based): chr16:9,764,692, C>T on the plus strand (G>A on the coding strand, the complement: GRIN2A is on the minus strand). VCF-style: chr16-9764692-C-T. GRCh37 (hg19) VCF-style: chr16-9858549-C-T.
Other names: c.2852G>A, p.Gly951Glu (NM_000833.5, NM_001134408.2); short protein forms G951E.
Identifiers: ClinVar variation 3007209 (VCV003007209.3), dbSNP rs139795367, ClinGen allele CA394709214.

ClinVar aggregate classification (germline): Uncertain significance (1 of 4 stars; one submission).

Conditions:
Landau-Kleffner syndrome (FESD). Also called: EPILEPSY, FOCAL, WITH SPEECH DISORDER AND WITH OR WITHOUT MENTAL RETARDATION; APHASIA, ACQUIRED, WITH EPILEPSY. Identifiers: Orphanet 1945, Orphanet 725, Orphanet 98818, MedGen C0282512, MONDO:0009509, OMIM 245570.

gnomAD v4.1: 1 of 1,614,202 alleles (0.000062%); highest among the groups gnomAD compares: Non-Finnish European, 0.000085%; no homozygotes.

Submission:

Labcorp Genetics (formerly Invitae), Labcorp
Classification: Uncertain significance for Landau-Kleffner syndrome. Last evaluated: 2023-05-04. Review status: criteria provided, single submitter. Criteria: Invitae Variant Classification Sherloc (09022015). Collection method: clinical testing. Allele origin: germline.
Comment: In summary, the available evidence is currently insufficient to determine the role of this variant in disease. Therefore, it has been classified as a Variant of Uncertain Significance. Advanced modeling of protein sequence and biophysical properties (such as structural, functional, and spatial information, amino acid conservation, physicochemical variation, residue mobility, and thermodynamic stability) performed at Invitae indicates that this missense variant is not expected to disrupt GRIN2A protein function. This variant has not been reported in the literature in individuals affected with GRIN2A-related conditions. This variant is not present in population databases (gnomAD no frequency). This sequence change replaces glycine, which is neutral and non-polar, with glutamic acid, which is acidic and polar, at codon 951 of the GRIN2A protein (p.Gly951Glu).